The following is an entry in ClinVar:

ClinVar aggregate classification (germline): Conflicting classifications of pathogenicity. Review status: criteria provided, conflicting classifications (1 of 4 stars). 3 submissions from 3 submitters: Pathogenic (1); Uncertain significance (2). Last evaluated 2022-03-07.

Conditions:
Developmental and epileptic encephalopathy, 11 (DEE11). Also called: Early infantile epileptic encephalopathy 11. Identifiers: Orphanet 1934, MedGen C3150987, MONDO:0013388, OMIM 613721.
Seizures, benign familial infantile, 3 (BFIS3). Also called: CONVULSIONS, BENIGN FAMILIAL INFANTILE, 3; Familial neonatal seizures. Identifiers: Orphanet 140927, Orphanet 306, MedGen C1843140, MONDO:0011904, OMIM 607745.

Submissions (4):

GeneDx
Classification: Pathogenic. Last evaluated: 2022-03-07. Review status: criteria provided, single submitter. Criteria: GeneDx Variant Classification Process June 2021. Collection method: clinical testing. Allele origin: germline. Affected: yes.
Comment: Not observed at significant frequency in large population cohorts (gnomAD); Missense variants in this gene are often considered pathogenic (HGMD); In silico analysis supports that this missense variant has a deleterious effect on protein structure/function; This substitution is predicted to be in the cytoplasmic loop between the second and third homologous domains.; Has not been previously published as pathogenic or benign to our knowledge

CeGaT Center for Human Genetics Tuebingen
Classification: Uncertain significance. Last evaluated: 2020-12-01. Review status: criteria provided, single submitter. Criteria: CeGaT Center For Human Genetics Tuebingen Variant Classification Criteria Version 2. Collection method: clinical testing. Allele origin: germline. Affected: yes. Observed: 1 variant allele.

Labcorp Genetics (formerly Invitae), Labcorp
Classification: Uncertain significance for Seizures, benign familial infantile, 3; Developmental and epileptic encephalopathy, 11. Last evaluated: 2019-04-16. Review status: criteria provided, single submitter. Criteria: Invitae Variant Classification Sherloc (09022015). Collection method: clinical testing. Allele origin: germline.
Comment: Algorithms developed to predict the effect of sequence changes on RNA splicing suggest that this variant may create or strengthen a splice site, but this prediction has not been confirmed by published transcriptional studies. Algorithms developed to predict the effect of missense changes on protein structure and function are either unavailable or do not agree on the potential impact of this missense change (SIFT: "Deleterious"; PolyPhen-2: "Probably Damaging"; Align-GVGD: "Class C0"). In summary, the available evidence is currently insufficient to determine the role of this variant in disease. Therefore, it has been classified as a Variant of Uncertain Significance. This variant is not present in population databases (ExAC no frequency). This sequence change replaces aspartic acid with glycine at codon 997 of the SCN2A protein (p.Asp997Gly). The aspartic acid residue is highly conserved and there is a moderate physicochemical difference between aspartic acid and glycine. This variant has not been reported in the literature in individuals with SCN2A-related conditions. ClinVar contains an entry for this variant (Variation ID: 390480).

Channelopathy-Associated Epilepsy Research Center
No classification provided (evidence only). Condition: Complex neurodevelopmental disorder. Review status: no classification provided. Collection method: literature only. Allele origin: not applicable. Functional consequence: Normal peak current, Normal voltage dependence of activation, Normal slope of activation, Normal voltage dependence of fast inactivation, Normal slope of fast inactivation, Normal rate of recovery from fast inactivation, Slowing of recovery from slow inactivation, Normal fast inactivation, Normal ramp current, Normal persistent current. Not counted in ClinVar's aggregate classification.
ClinVar note: "not provided" was previously submitted as the classification for the variant. However, the classification appeared to be based only on an observation of functional data so it was converted to no classification on 2025-07-30.

Literature cited by the submitters: PubMed 37578743 (cited by Channelopathy-Associated Epilepsy Research Center).

NM_001040142.2(SCN2A):c.2990A>G (p.Asp997Gly)

Gene: SCN2A (sodium voltage-gated channel alpha subunit 2; plus strand). Cytogenetic location: 2q24.3.
Variant type: single nucleotide variant.
Coding change: c.2990A>G on transcript NM_001040142.2 (MANE Select); coding-DNA position 2990, A replaced by G.
Protein change: p.Asp997Gly; replaces aspartic acid 997 with glycine.
Molecular consequence: missense variant.
Genome position (GRCh38, 1-based): chr2:165,354,262, A>G. VCF-style: chr2-165354262-A-G. GRCh37 (hg19) VCF-style: chr2-166210772-A-G.
Other names: c.2990A>G, p.Asp997Gly (NM_001040143.2, NM_001371246.1, NM_001371247.1 and 1 more transcripts); short protein forms D997G.
Identifiers: ClinVar variation 390480 (VCV000390480.53), dbSNP rs1057523786, ClinGen allele CA16603912.